The following is an entry in ClinVar:

ClinVar aggregate classification (germline): Uncertain significance (1 of 4 stars; one submission).

Conditions:
Mitochondrial complex II deficiency, nuclear type 1. Also called: SUCCINATE CoQ REDUCTASE DEFICIENCY. Identifiers: Orphanet 3208, MedGen C5700310, MONDO:0100294, OMIM 252011.
Pheochromocytoma/paraganglioma syndrome 5. Also called: Paragangliomas 5; SDHA-Related Hereditary Paraganglioma-Pheochromocytoma Syndrome. Identifiers: Orphanet 29072, MedGen C3279992, MONDO:0013602, OMIM 614165.

Submission:

Labcorp Genetics (formerly Invitae), Labcorp
Classification: Uncertain significance for Pheochromocytoma/paraganglioma syndrome 5; Mitochondrial complex II deficiency, nuclear type 1. Last evaluated: 2023-10-09. Review status: criteria provided, single submitter. Criteria: Invitae Variant Classification Sherloc (09022015). Collection method: clinical testing. Allele origin: germline.
Comment: This sequence change replaces histidine, which is basic and polar, with arginine, which is basic and polar, at codon 363 of the SDHA protein (p.His363Arg). This variant is not present in population databases (gnomAD no frequency). This variant has not been reported in the literature in individuals affected with SDHA-related conditions. ClinVar contains an entry for this variant (Variation ID: 1717744). Advanced modeling of protein sequence and biophysical properties (such as structural, functional, and spatial information, amino acid conservation, physicochemical variation, residue mobility, and thermodynamic stability) has been performed at Invitae for this missense variant, however the output from this modeling did not meet the statistical confidence thresholds required to predict the impact of this variant on SDHA protein function. In summary, the available evidence is currently insufficient to determine the role of this variant in disease. Therefore, it has been classified as a Variant of Uncertain Significance.

NM_004168.4(SDHA):c.1088A>G (p.His363Arg)

Gene: SDHA (succinate dehydrogenase complex flavoprotein subunit A; plus strand). Cytogenetic location: 5p15.33.
Variant type: single nucleotide variant.
Coding change: c.1088A>G on transcript NM_004168.4 (MANE Select); coding-DNA position 1088, A replaced by G.
Protein change: p.His363Arg; replaces histidine 363 with arginine.
Molecular consequence: missense variant.
Genome position (GRCh38, 1-based): chr5:235,167, A>G. VCF-style: chr5-235167-A-G. GRCh37 (hg19) VCF-style: chr5-235282-A-G.
Other names: c.944A>G, p.His315Arg (NM_001294332.2); c.1088A>G, p.His363Arg (NM_001330758.2); short protein forms H315R, H363R.
Identifiers: ClinVar variation 1717744 (VCV001717744.6), dbSNP rs2477362399, ClinGen allele CA359013430.